The following is an entry in ClinVar:

NM_004525.3(LRP2):c.9575G>A (p.Arg3192Gln)

Gene: LRP2 (LDL receptor related protein 2; minus strand). Cytogenetic location: 2q31.1.
Variant type: single nucleotide variant.
Coding change: c.9575G>A on transcript NM_004525.3 (MANE Select); coding-DNA position 9575, G replaced by A.
Protein change: p.Arg3192Gln; replaces arginine 3192 with glutamine.
Molecular consequence: missense variant.
Genome position (GRCh38, 1-based): chr2:169,185,773, C>T on the plus strand (G>A on the coding strand, the complement: LRP2 is on the minus strand). VCF-style: chr2-169185773-C-T. GRCh37 (hg19) VCF-style: chr2-170042283-C-T.
Other names: short protein forms R3192Q.
Identifiers: ClinVar variation 1344819 (VCV001344819.2), dbSNP rs753667280, ClinGen allele CA1953548.

ClinVar aggregate classification (germline): Uncertain significance. Review status: criteria provided, single submitter (1 of 4 stars). 2 submissions from 2 submitters: Uncertain significance (1). 1 of the submissions does not count toward it. Last evaluated 2026-04-20.

Conditions:
Donnai-Barrow syndrome. Also called: DBS/FOAR SYNDROME; FACIOOCULOACOUSTICORENAL SYNDROME. Identifiers: Orphanet 2143, MedGen C1857277, MONDO:0009104, OMIM 222448.

Allele frequency attached by ClinVar (database versions not stated): gnomAD exomes below 0.00001 and 0.00002; TOPMed below 0.00001; ExAC 0.00001; gnomAD 0.00001.
gnomAD v4.1: 25 of 1,613,422 alleles (0.0015%); highest among the groups gnomAD compares: Non-Finnish European, 0.002%; no homozygotes.

Submissions (2):

Myriad Genetics, Inc.
Classification: Uncertain significance for Donnai-Barrow syndrome. Last evaluated: 2026-04-20. Review status: criteria provided, single submitter. Criteria: Myriad Autosomal Dominant, Autosomal Recessive and X-Linked Classification Criteria (2023). Collection method: clinical testing. Allele origin: unknown.
Comment: NM_004525.2(LRP2):c.9575G>A(R3192Q) is a missense variant classified as a variant of uncertain significance in the context of Donnai-Barrow syndrome. R3192Q has been observed in a case with relevant disease (PMID: 32471643). Relevant functional assessments of this variant are available in the literature (PMID: 32471643). R3192Q has been observed in referenced population frequency databases. In summary, there is insufficient evidence to classify NM_004525.2(LRP2):c.9575G>A(R3192Q) as pathogenic or benign. Please note: this variant was assessed in the context of healthy population screening.

Yale Center for Mendelian Genomics, Yale University
Classification: Likely pathogenic for Donnai-Barrow syndrome. Last evaluated: 2020-10-26. Review status: no assertion criteria provided. Collection method: literature only. Allele origin: germline. Affected: yes. Observed: 2 homozygotes. Study: Yale Center for Mendelian Genomics. Not counted in ClinVar's aggregate classification.

Literature cited by the submitters: PubMed 32471643 (cited by Myriad Genetics, Inc.); PubMed 33103447 (cited by Yale Center for Mendelian Genomics, Yale University).